The following is an entry in ClinVar:

ClinVar aggregate classification (germline): Benign/Likely benign. Review status: criteria provided, multiple submitters, no conflicts (2 of 4 stars). 2 submissions from 2 submitters: Benign (1); Likely benign (1). Last evaluated 2026-03-04.

Conditions:
Hereditary cancer-predisposing syndrome. Also called: Neoplastic Syndromes, Hereditary; Tumor predisposition; Hereditary neoplastic syndrome; Hereditary Cancer Syndrome. Identifiers: Orphanet 140162, MedGen C0027672, MeSH D009386, MONDO:0015356.
Familial cancer of breast. Also called: BREAST CANCER, FAMILIAL; Hereditary breast cancer; hereditary breast carcinoma. Identifiers: Orphanet 227535, MedGen C0346153, MONDO:0016419, OMIM 114480. Disease mechanism: loss of function.

Submissions (2):

Ambry Genetics
Classification: Likely benign for Hereditary cancer-predisposing syndrome. Last evaluated: 2026-03-04. Review status: criteria provided, single submitter. Criteria: Ambry Variant Classification Scheme 2023. Collection method: clinical testing. Allele origin: germline.

Myriad Genetics, Inc.
Classification: Benign for Familial cancer of breast. Last evaluated: 2025-01-15. Review status: criteria provided, single submitter. Criteria: Myriad Autosomal Dominant, Autosomal Recessive and X-Linked Classification Criteria (2023). Collection method: clinical testing. Allele origin: unknown.
Comment: This variant is considered benign. This variant is a silent/synonymous amino acid change and it is not expected to impact splicing.

NM_024675.4(PALB2):c.2298A>T (p.Ser766=)

Gene: PALB2 (partner and localizer of BRCA2; minus strand). Cytogenetic location: 16p12.2.
Variant type: single nucleotide variant.
Coding change: c.2298A>T on transcript NM_024675.4 (MANE Select); coding-DNA position 2298, A replaced by T.
Protein change: p.Ser766=; no amino-acid change (serine 766 retained).
Molecular consequence: synonymous variant. On other transcripts: intron variant (1).
Genome position (GRCh38, 1-based): chr16:23,629,856, T>A on the plus strand (A>T on the coding strand, the complement: PALB2 is on the minus strand). VCF-style: chr16-23629856-T-A. GRCh37 (hg19) VCF-style: chr16-23641177-T-A.
Other names: c.2238A>T, p.Ser746= (NM_001407296.1); c.2298A>T, p.Ser766= (NM_001407297.1, NM_001407298.1, NM_001407299.1 and 3 more transcripts); c.1413A>T, p.Ser471= (NM_001407304.1, NM_001407305.1, NM_001407306.1 and 5 more transcripts); c.510A>T, p.Ser170= (NM_001407312.1, NM_001407313.1); c.49-581A>T (NM_001407314.1).
Identifiers: ClinVar variation 3904402 (VCV003904402.2).